The following is an entry in ClinVar:

NM_000152.5(GAA):c.1116C>T (p.His372=)

Gene: GAA (alpha glucosidase; plus strand). Cytogenetic location: 17q25.3.
Variant type: single nucleotide variant.
Coding change: c.1116C>T on transcript NM_000152.5 (MANE Select); coding-DNA position 1116, C replaced by T.
Protein change: p.His372=; no amino-acid change (histidine 372 retained).
Molecular consequence: synonymous variant.
Genome position (GRCh38, 1-based): chr17:80,108,529, C>T. VCF-style: chr17-80108529-C-T. GRCh37 (hg19) VCF-style: chr17-78082328-C-T.
Other names: c.1116C>T, p.His372= (NM_001079803.3, NM_001079804.3).
Identifiers: ClinVar variation 1088420 (VCV001088420.28), dbSNP rs760146859, ClinGen allele CA8815174.

ClinVar aggregate classification (germline): Likely benign. Review status: criteria provided, multiple submitters, no conflicts (2 of 4 stars). 2 submissions from 2 submitters: Likely benign (2). Last evaluated 2025-12-30.

Conditions:
Glycogen storage disease, type II (IOPD). Also called: Glycogen storage disease type 2; Acid maltase deficiency disease; Aglucosidase alfa; Deficiency of alpha-glucosidase; Deficiency of lysosomal alpha-glucosidase; Glucosidase acid-1,4-alpha deficiency. Identifiers: Orphanet 365, MedGen C0017921, MONDO:0009290, OMIM 232300.

Allele frequency attached by ClinVar (database versions not stated): gnomAD exomes below 0.00001 and 0.00001; ExAC 0.00001; gnomAD 0.00001.
gnomAD v4.1: 9 of 1,612,968 alleles (0.00056%); highest among the groups gnomAD compares: South Asian, 0.0033%; no homozygotes.

Submissions (2):

Labcorp Genetics (formerly Invitae), Labcorp
Classification: Likely benign for Glycogen storage disease, type II. Last evaluated: 2025-12-30. Review status: criteria provided, single submitter. Criteria: Invitae Variant Classification Sherloc (09022015). Collection method: clinical testing. Allele origin: germline.

CeGaT Center for Human Genetics Tuebingen
Classification: Likely benign. Last evaluated: 2024-05-01. Review status: criteria provided, single submitter. Criteria: CeGaT Center For Human Genetics Tuebingen Variant Classification Criteria Version 2. Collection method: clinical testing. Allele origin: germline. Affected: yes. Observed: 1 variant allele.
Comment: GAA: BP4, BP7